The following is an entry in ClinVar:

ClinVar aggregate classification (germline): Likely benign (1 of 4 stars; one submission).

Conditions:
CHD3-related disorder. Also called: CHD3-related condition.

gnomAD v4.1: 22 of 1,613,980 alleles (0.0014%); highest among the groups gnomAD compares: South Asian, 0.018%; no homozygotes.

Submission:

PreventionGenetics, part of Exact Sciences
Classification: Likely benign for CHD3-related condition. Last evaluated: 2025-06-25. Review status: criteria provided, single submitter. Criteria: ACMG Guidelines, 2015. Collection method: clinical testing. Allele origin: germline.
Comment: This variant is classified as likely benign based on ACMG/AMP sequence variant interpretation guidelines (Richards et al. 2015 PMID: 25741868, with internal and published modifications).

NM_001005273.3(CHD3):c.100+10C>T

Gene: CHD3 (chromodomain helicase DNA binding protein 3; plus strand). Cytogenetic location: 17p13.1.
Variant type: single nucleotide variant.
Coding change: c.100+10C>T on transcript NM_001005273.3 (MANE Select); 10 bases into the intron after coding-DNA position 100, C replaced by T.
Molecular consequence: intron variant.
Genome position (GRCh38, 1-based): chr17:7,889,110, C>T. VCF-style: chr17-7889110-C-T. GRCh37 (hg19) VCF-style: chr17-7792428-C-T.
Other names: c.278-554C>T (NM_001437504.1, NM_001005271.3, NM_001437509.1 and 2 more transcripts); c.100+10C>T (NM_005852.4).
Identifiers: ClinVar variation 4981626 (VCV004981626.1).
Genomic context (GRCh38, chr17:7,889,110, plus strand): 5'-AGCTGAGGATTTCTTTTCCTCCAGGACTGTGTTGGGGTGACAGGATGCCTGGTAATTATC[C>T]GAGGAAATGTAAATAGAGGCCTCCCTCTTGGCAAAAGGATGTCAGGGCCCCAGGGTGTTA-3'